The following is an entry in ClinVar:

ClinVar aggregate classification (germline): Uncertain significance (1 of 4 stars; one submission).

Conditions:
Ataxia-telangiectasia syndrome (AT). Also called: ATAXIA-TELANGIECTASIA, COMPLEMENTATION GROUP A; Ataxia telangiectasia (A-T); Cerebello-oculocutaneous telangiectasia; Immunodeficiency with ataxia telangiectasia; LOUIS-BAR SYNDROME; ATAXIA-TELANGIECTASIA, FRESNO VARIANT. Identifiers: Orphanet 100, MedGen C0004135, MONDO:0008840, OMIM 208900.

Submission:

Labcorp Genetics (formerly Invitae), Labcorp
Classification: Uncertain significance for Ataxia-telangiectasia syndrome. Last evaluated: 2024-02-22. Review status: criteria provided, single submitter. Criteria: Invitae Variant Classification Sherloc (09022015). Collection method: clinical testing. Allele origin: germline.
Comment: This sequence change replaces serine, which is neutral and polar, with cysteine, which is neutral and slightly polar, at codon 226 of the ATM protein (p.Ser226Cys). This variant is not present in population databases (gnomAD no frequency). This variant has not been reported in the literature in individuals affected with ATM-related conditions. An algorithm developed to predict the effect of missense changes on protein structure and function (PolyPhen-2) suggests that this variant is likely to be disruptive. In summary, the available evidence is currently insufficient to determine the role of this variant in disease. Therefore, it has been classified as a Variant of Uncertain Significance.

NM_000051.4(ATM):c.677C>G (p.Ser226Cys)

Gene: ATM (ATM serine/threonine kinase; plus strand). Cytogenetic location: 11q22.3.
Variant type: single nucleotide variant.
Coding change: c.677C>G on transcript NM_000051.4 (MANE Select); coding-DNA position 677, C replaced by G.
Protein change: p.Ser226Cys; replaces serine 226 with cysteine.
Molecular consequence: missense variant.
Genome position (GRCh38, 1-based): chr11:108,244,802, C>G. VCF-style: chr11-108244802-C-G. GRCh37 (hg19) VCF-style: chr11-108115529-C-G.
Other names: c.677C>G, p.Ser226Cys (NM_001351834.2); short protein forms S226C.
Identifiers: ClinVar variation 2816922 (VCV002816922.3), dbSNP rs2079754211, ClinGen allele CA382529007.
Genomic context (GRCh38, chr11:108,244,802, plus strand): 5'-TTGTTCCCCCTGTTATACCCAGTTGAGCTTGTTTGTTTCTTCACAGACAAGAAAAGAGCT[C>G]TTCAGGTCTAAATCATATCTTAGCAGCTCTTACTATCTTCCTCAAGACTTTGGCTGTCAA-3'
Protein context (NP_000042.3, residues 216-236): AIQCARQEKS[Ser226Cys]SGLNHILAAL